The following is an entry in ClinVar:

ClinVar aggregate classification (germline): Pathogenic (1 of 4 stars; one submission).

Submission:

Labcorp Genetics (formerly Invitae), Labcorp
Classification: Pathogenic. Last evaluated: 2023-08-30. Review status: criteria provided, single submitter. Criteria: Invitae Variant Classification Sherloc (09022015). Collection method: clinical testing. Allele origin: unknown.
Comment: A gross deletion of the genomic region encompassing the full coding sequence of the CLDN16 gene has been identified. Loss-of-function variants in CLDN16 are known to be pathogenic (PMID: 10390358, 10878661, 18003771, 25852890). The boundaries of this event are unknown as they extend beyond the assayed region for this gene and therefore may encompass additional genes. This variant has not been reported in the literature in individuals affected with CLDN16-related conditions. For these reasons, this variant has been classified as Pathogenic.

Literature cited by the submitters: PubMed 10390358; PubMed 10878661; PubMed 18003771; PubMed 25852890.

NC_000003.11:g.(?_189357602)_(192126012_?)del

Genes: CCDC50 (coiled-coil domain containing 50; plus strand), CLDN1 (claudin 1; minus strand), CLDN16 (claudin 16; plus strand), FGF12 (fibroblast growth factor 12; minus strand), GMNC (geminin coiled-coil domain containing; minus strand) and 7 more. Cytogenetic location: 3q28.
Variant type: Deletion.
Identifiers: ClinVar variation 3247003 (VCV003247003.1).